The following is an entry in ClinVar:

ClinVar aggregate classification (germline): Uncertain significance (1 of 4 stars; one submission).

Conditions:
Malignant hyperthermia, susceptibility to, 1 (MHS1). Also called: RYR1-Related Malignant Hyperthermia Susceptibility; Anesthesia related hyperthermia; Malignant hyperpyrexia; Fulminating hyperpyrexia; Pharmacogenic myopathy; Malignant hyperthermia suceptibility 1. Identifiers: Orphanet 423, MedGen C2930980, MONDO:0007783, OMIM 145600.

Submission:

All of Us Research Program, National Institutes of Health
Classification: Uncertain significance for Malignant hyperthermia, susceptibility to, 1. Last evaluated: 2023-04-27. Review status: criteria provided, single submitter. Criteria: ACMG Guidelines, 2015. Collection method: clinical testing. Allele origin: germline. Inheritance: Autosomal dominant inheritance. Observed: 1 variant allele, 1 heterozygote.
Comment: This study involves interpretation of variants in research participants for the purpose of population health screening. Participant phenotype was not available at the time of variant classification. Additional details can be found in publication PMID: 35346344, PMCID: PMC8962531

NM_000540.3(RYR1):c.2428T>A (p.Cys810Ser)

Gene: RYR1 (ryanodine receptor 1; plus strand). Cytogenetic location: 19q13.2.
Variant type: single nucleotide variant.
Coding change: c.2428T>A on transcript NM_000540.3 (MANE Select); coding-DNA position 2428, T replaced by A.
Protein change: p.Cys810Ser; replaces cysteine 810 with serine.
Molecular consequence: missense variant.
Genome position (GRCh38, 1-based): chr19:38,460,442, T>A. VCF-style: chr19-38460442-T-A. GRCh37 (hg19) VCF-style: chr19-38951082-T-A.
Other names: c.2428T>A, p.Cys810Ser (NM_001042723.2); short protein forms C810S.
Identifiers: ClinVar variation 3070338 (VCV003070338.1), dbSNP rs2514054759, ClinGen allele CA405628937.